The following is an entry in ClinVar:

ClinVar aggregate classification (germline): Uncertain significance. Review status: criteria provided, multiple submitters, no conflicts (2 of 4 stars). 2 submissions from 2 submitters: Uncertain significance (2). Last evaluated 2025-03-14.

Conditions:
Hereditary nonpolyposis colorectal neoplasms. Identifiers: MedGen C0009405, MeSH D003123.
Hereditary cancer-predisposing syndrome. Also called: Hereditary Cancer Syndrome; Tumor predisposition; Hereditary neoplastic syndrome; Neoplastic Syndromes, Hereditary. Identifiers: Orphanet 140162, MedGen C0027672, MeSH D009386, MONDO:0015356.

Submissions (2):

Ambry Genetics
Classification: Uncertain significance for Hereditary cancer-predisposing syndrome. Last evaluated: 2025-03-14. Review status: criteria provided, single submitter. Criteria: Ambry Variant Classification Scheme 2023. Collection method: clinical testing. Allele origin: germline.
Comment: The p.I570T variant (also known as c.1709T>C), located in coding exon 4 of the MSH6 gene, results from a T to C substitution at nucleotide position 1709. The isoleucine at codon 570 is replaced by threonine, an amino acid with similar properties. This amino acid position is not well conserved in available vertebrate species. In addition, the in silico prediction for this alteration is inconclusive. Based on the available evidence, the clinical significance of this variant remains unclear.

Labcorp Genetics (formerly Invitae), Labcorp
Classification: Uncertain significance for Hereditary nonpolyposis colorectal neoplasms. Last evaluated: 2020-09-11. Review status: criteria provided, single submitter. Criteria: Invitae Variant Classification Sherloc (09022015). Collection method: clinical testing. Allele origin: germline.
Comment: This sequence change replaces isoleucine with threonine at codon 570 of the MSH6 protein (p.Ile570Thr). The isoleucine residue is moderately conserved and there is a moderate physicochemical difference between isoleucine and threonine. This variant is not present in population databases (ExAC no frequency). This variant has not been reported in the literature in individuals with MSH6-related conditions. Algorithms developed to predict the effect of missense changes on protein structure and function are either unavailable or do not agree on the potential impact of this missense change (SIFT: "Deleterious"; PolyPhen-2: "Benign"; Align-GVGD: "Class C25"). In summary, the available evidence is currently insufficient to determine the role of this variant in disease. Therefore, it has been classified as a Variant of Uncertain Significance.

NM_000179.3(MSH6):c.1709T>C (p.Ile570Thr)

Gene: MSH6 (mutS homolog 6; plus strand). Cytogenetic location: 2p16.3.
Variant type: single nucleotide variant.
Coding change: c.1709T>C on transcript NM_000179.3 (MANE Select); coding-DNA position 1709, T replaced by C.
Protein change: p.Ile570Thr; replaces isoleucine 570 with threonine.
Molecular consequence: missense variant.
Genome position (GRCh38, 1-based): chr2:47,799,692, T>C. VCF-style: chr2-47799692-T-C. GRCh37 (hg19) VCF-style: chr2-48026831-T-C.
Other names: c.1319T>C, p.Ile440Thr (NM_001281492.2); c.803T>C, p.Ile268Thr (NM_001281493.2, NM_001281494.2); short protein forms I268T, I440T, I570T.
Identifiers: ClinVar variation 1053905 (VCV001053905.13), dbSNP rs2104362433, ClinGen allele CA346748567.